The following is an entry in ClinVar:

NM_001378454.1(ALMS1):c.9120T>G (p.Asn3040Lys)

Gene: ALMS1 (ALMS1 centrosome and basal body associated protein; plus strand). Cytogenetic location: 2p13.1.
Variant type: single nucleotide variant.
Coding change: c.9120T>G on transcript NM_001378454.1 (MANE Select); coding-DNA position 9120, T replaced by G.
Protein change: p.Asn3040Lys; replaces asparagine 3040 with lysine.
Molecular consequence: missense variant.
Genome position (GRCh38, 1-based): chr2:73,491,079, T>G. VCF-style: chr2-73491079-T-G. GRCh37 (hg19) VCF-style: chr2-73718206-T-G.
Other names: c.9123T>G, p.Asn3041Lys (NM_015120.4); short protein forms N3040K, N3041K.
Identifiers: ClinVar variation 4086333 (VCV004086333.1).

ClinVar aggregate classification (germline): Uncertain significance (1 of 4 stars; one submission).

gnomAD v4.1: 4 of 1,614,218 alleles (0.00025%); highest among the groups gnomAD compares: South Asian, 0.0011%; no homozygotes.

Submission:

GeneDx
Classification: Uncertain significance. Last evaluated: 2025-03-20. Review status: criteria provided, single submitter. Criteria: GeneDx Variant Classification Process June 2021. Collection method: clinical testing. Allele origin: germline. Affected: yes.
Comment: Not observed at significant frequency in large population cohorts (gnomAD); In silico analysis supports that this missense variant has a deleterious effect on protein structure/function; Has not been previously published as pathogenic or benign to our knowledge